The following is an entry in ClinVar:

NM_015488.5(PNKD):c.*1665G>A

Genes: PNKD (PNKD metallo-beta-lactamase domain containing; plus strand), CATIP-AS2 (CATIP antisense RNA 2; minus strand). Cytogenetic location: 2q35.
Variant type: single nucleotide variant.
Coding change: c.*1665G>A on transcript NM_015488.5 (MANE Select); 1665 bases downstream of the stop codon, G replaced by A.
Molecular consequence: 3 prime UTR variant.
Genome position (GRCh38, 1-based): chr2:218,346,646, G>A. VCF-style: chr2-218346646-G-A. GRCh37 (hg19) VCF-style: chr2-219211369-G-A.
Other names: c.*1665G>A (NM_022572.5).
Identifiers: ClinVar variation 897463 (VCV000897463.4), dbSNP rs145193682, ClinGen allele CA65763137.

ClinVar aggregate classification (germline): Benign (1 of 4 stars; one submission).

Conditions:
Paroxysmal nonkinesigenic dyskinesia 1 (PNKD1). Also called: PxMD-PNKD; MOUNT-REBACK SYNDROME; PAROXYSMAL DYSTONIC CHOREOATHETOSIS; Familial Paroxysmal Nonkinesigenic Dyskinesia; Nonkinesigenic choreoathetosis; Familial paroxysmal choreoathetosis. Identifiers: Orphanet 98810, MedGen C4551506, MONDO:0700089, OMIM 118800, MONDO:0007326.

Allele frequency attached by ClinVar (database versions not stated): 1000 Genomes Project 0.00699; 1000 Genomes Project 30x 0.00718; gnomAD 0.00531 and 0.00564; TOPMed 0.00608.

Submission:

Illumina Laboratory Services, Illumina
Classification: Benign for Paroxysmal nonkinesigenic dyskinesia 1. Last evaluated: 2018-01-13. Review status: criteria provided, single submitter. Criteria: ICSL Variant Classification Criteria 13 December 2019. Collection method: clinical testing. Allele origin: germline.
Comment: This variant was observed in the ICSL laboratory as part of a predisposition screen in an ostensibly healthy population. It had not been previously curated by ICSL or reported in the Human Gene Mutation Database (HGMD: prior to June 1st, 2018), and was therefore a candidate for classification through an automated scoring system. Utilizing variant allele frequency, disease prevalence and penetrance estimates, and inheritance mode, an automated score was calculated to assess if this variant is too frequent to cause the disease. Based on the score and internal cut-off values, a variant classified as benign is not then subjected to further curation. The score for this variant resulted in a classification of benign for this disease.